The following is an entry in ClinVar:

ClinVar aggregate classification (germline): Likely benign (1 of 4 stars; one submission).

gnomAD v4.1: 214 of 1,613,554 alleles (0.013%); highest among the groups gnomAD compares: African/African-American, 0.23%; 1 homozygote.

Submission:

CeGaT Center for Human Genetics Tuebingen
Classification: Likely benign. Last evaluated: 2026-04-01. Review status: criteria provided, single submitter. Criteria: CeGaT Center For Human Genetics Tuebingen Variant Classification Criteria Version 2. Collection method: clinical testing. Allele origin: germline. Affected: yes. Observed: 1 variant allele.
Comment: GBF1: BP4, BS1

NM_001377137.1(GBF1):c.4896G>A (p.Leu1632=)

Gene: GBF1 (golgi brefeldin A resistant guanine nucleotide exchange factor 1; plus strand). Cytogenetic location: 10q24.32.
Variant type: single nucleotide variant.
Coding change: c.4896G>A on transcript NM_001377137.1 (MANE Select); coding-DNA position 4896, G replaced by A.
Protein change: p.Leu1632=; no amino-acid change (leucine 1632 retained).
Molecular consequence: synonymous variant. On other transcripts: non-coding transcript variant (5).
Genome position (GRCh38, 1-based): chr10:102,380,266, G>A. VCF-style: chr10-102380266-G-A. GRCh37 (hg19) VCF-style: chr10-104140023-G-A.
Other names: c.4884G>A, p.Leu1628= (NM_001199378.2, NM_001391923.1); c.4881G>A, p.Leu1627= (NM_001199379.2, NM_001391924.1, NM_001391927.1); c.4845G>A, p.Leu1615= (NM_001377138.1); c.4599G>A, p.Leu1533= (NM_001377139.1, NM_001391930.1); c.4587G>A, p.Leu1529= (NM_001377140.1); c.4893G>A, p.Leu1631= (NM_001377141.1, NM_004193.3); c.4980G>A, p.Leu1660= (NM_001391922.1); c.4857G>A, p.Leu1619= (NM_001391925.1); and 6 more.
Identifiers: ClinVar variation 4872870 (VCV004872870.2).